The following is an entry in ClinVar:

ClinVar aggregate classification (germline): Uncertain significance (1 of 4 stars; one submission).

Submission:

Labcorp Genetics (formerly Invitae), Labcorp
Classification: Uncertain significance. Last evaluated: 2025-08-29. Review status: criteria provided, single submitter. Criteria: Invitae Variant Classification Sherloc (09022015). Collection method: clinical testing. Allele origin: germline.
Comment: This sequence change replaces asparagine, which is neutral and polar, with serine, which is neutral and polar, at codon 1671 of the SON protein (p.Asn1671Ser). This variant is not present in population databases (gnomAD no frequency). This variant has not been reported in the literature in individuals affected with SON-related conditions. An algorithm developed to predict the effect of missense changes on protein structure and function outputs the following: PolyPhen-2: "Possibly Damaging". The serine amino acid residue is found in multiple mammalian species, which suggests that this missense change does not adversely affect protein function. In summary, the available evidence is currently insufficient to determine the role of this variant in disease. Therefore, it has been classified as a Variant of Uncertain Significance.

NM_138927.4(SON):c.5012A>G (p.Asn1671Ser)

Gene: SON (SON DNA and RNA binding protein; plus strand). Cytogenetic location: 21q22.11.
Variant type: single nucleotide variant.
Coding change: c.5012A>G on transcript NM_138927.4 (MANE Select); coding-DNA position 5012, A replaced by G.
Protein change: p.Asn1671Ser; replaces asparagine 1671 with serine.
Molecular consequence: missense variant. On other transcripts: non-coding transcript variant (1), intron variant (1).
Genome position (GRCh38, 1-based): chr21:33,554,243, A>G. VCF-style: chr21-33554243-A-G. GRCh37 (hg19) VCF-style: chr21-34926549-A-G.
Other names: c.5012A>G, p.Asn1671Ser (NM_001291411.2, NM_032195.3); c.245-2913A>G (NM_001291412.3); short protein forms N1671S.
Identifiers: ClinVar variation 4710424 (VCV004710424.1).
Genomic context (GRCh38, chr21:33,554,243, plus strand): 5'-GTGAAGCTGACATTGAAGGGCCTTTGCCTGCTAAAGATATTCATCTTGATTTACCATCTA[A>G]TAATAACCTTGTTAGTAAGGATACAGAAGAACCATTACCTGTAAAAGAGAGTGACCAGAC-3'
Protein context (NP_620305.3, residues 1661-1681): AKDIHLDLPS[Asn1671Ser]NNLVSKDTEE